The following is an entry in ClinVar:

NM_000143.4(FH):c.679C>T (p.Gln227Ter)

Gene: FH (fumarate hydratase; minus strand). Cytogenetic location: 1q43.
Variant type: single nucleotide variant.
Coding change: c.679C>T on transcript NM_000143.4 (MANE Select); coding-DNA position 679, C replaced by T.
Protein change: p.Gln227Ter; replaces glutamine 227 with a stop codon.
Molecular consequence: nonsense.
Genome position (GRCh38, 1-based): chr1:241,508,662, G>A on the plus strand (C>T on the coding strand, the complement: FH is on the minus strand). VCF-style: chr1-241508662-G-A. GRCh37 (hg19) VCF-style: chr1-241671962-G-A.
Other names: short protein forms Q227*.
Identifiers: ClinVar variation 405913 (VCV000405913.12), dbSNP rs11545658, ClinGen allele CA16610075.

ClinVar aggregate classification (germline): Pathogenic. Review status: criteria provided, multiple submitters, no conflicts (2 of 4 stars). 2 submissions from 2 submitters: Pathogenic (2). Last evaluated 2025-05-25.

Conditions:
Hereditary cancer-predisposing syndrome. Also called: Hereditary Cancer Syndrome; Hereditary neoplastic syndrome; Neoplastic Syndromes, Hereditary; Tumor predisposition. Identifiers: Orphanet 140162, MedGen C0027672, MeSH D009386, MONDO:0015356.

Submissions (2):

Ambry Genetics
Classification: Pathogenic for Hereditary cancer-predisposing syndrome. Last evaluated: 2025-05-25. Review status: criteria provided, single submitter. Criteria: Ambry Variant Classification Scheme 2023. Collection method: clinical testing. Allele origin: germline.
Comment: The p.Q227* pathogenic mutation (also known as c.679C>T), located in coding exon 5 of the FH gene, results from a C to T substitution at nucleotide position 679. This changes the amino acid from a glutamine to a stop codon within coding exon 5. This variant is considered to be rare based on population cohorts in the Genome Aggregation Database (gnomAD). This alteration is expected to result in loss of function by premature protein truncation or nonsense-mediated mRNA decay. As such, this alteration is interpreted as a disease-causing mutation.

Labcorp Genetics (formerly Invitae), Labcorp
Classification: Pathogenic. Last evaluated: 2016-10-21. Review status: criteria provided, single submitter. Criteria: Invitae Variant Classification Sherloc (09022015). Collection method: clinical testing. Allele origin: germline.
Comment: For these reasons, this variant has been classified as Pathogenic. While this particular variant has not been reported in the literature, loss-of-function variants in FH are known to be pathogenic (PMID: 11865300, 21398687). This sequence change creates a premature translational stop signal at codon 227 (p.Gln227*) of the FH gene. It is expected to result in an absent or disrupted protein product.

Literature cited by the submitters: PubMed 11865300 (cited by Labcorp Genetics (formerly Invitae), Labcorp); PubMed 21398687 (cited by Labcorp Genetics (formerly Invitae), Labcorp).